The following is an entry in ClinVar:

NM_032228.6(FAR1):c.1494del (p.Leu499fs)

Gene: FAR1 (fatty acyl-CoA reductase 1; plus strand). Cytogenetic location: 11p15.3.
Variant type: Deletion.
Coding change: c.1494del on transcript NM_032228.6 (MANE Select); coding-DNA position 1494, one base deleted (T; older notation c.1494delT).
Protein change: p.Leu499fs; shifts the reading frame from leucine 499.
Molecular consequence: frameshift variant.
Genome position (GRCh38, 1-based): chr11:13,728,720, T deleted. VCF-style (leftmost placement, unchanged base first): chr11-13728719-GT-G. GRCh37 (hg19) VCF-style: chr11-13750266-GT-G.
Other names: short protein forms L499fs.
Identifiers: ClinVar variation 1468135 (VCV001468135.6), dbSNP rs2134204262, ClinGen allele CA2573146273.

ClinVar aggregate classification (germline): Uncertain significance (1 of 4 stars; one submission).

Submission:

Labcorp Genetics (formerly Invitae), Labcorp
Classification: Uncertain significance. Last evaluated: 2022-08-23. Review status: criteria provided, single submitter. Criteria: Invitae Variant Classification Sherloc (09022015). Collection method: clinical testing. Allele origin: germline.
Comment: This variant has not been reported in the literature in individuals affected with FAR1-related conditions. In summary, the available evidence is currently insufficient to determine the role of this variant in disease. Therefore, it has been classified as a Variant of Uncertain Significance. ClinVar contains an entry for this variant (Variation ID: 1468135). Algorithms developed to predict the effect of sequence changes on RNA splicing suggest that this variant may create or strengthen a splice site. This variant is not present in population databases (gnomAD no frequency). This sequence change creates a premature translational stop signal (p.Leu499Cysfs*15) in the FAR1 gene. While this is not anticipated to result in nonsense mediated decay, it is expected to disrupt the last 17 amino acid(s) of the FAR1 protein.